The following is an entry in ClinVar:

NM_000030.3(AGXT):c.680+2T>A

Gene: AGXT (alanine--glyoxylate aminotransferase; plus strand). Cytogenetic location: 2q37.3.
Variant type: single nucleotide variant.
Coding change: c.680+2T>A on transcript NM_000030.3 (MANE Select); the canonical splice donor site of the intron after coding-DNA position 680, T replaced by A.
Molecular consequence: splice donor variant.
Genome position (GRCh38, 1-based): chr2:240,874,064, T>A. VCF-style: chr2-240874064-T-A. GRCh37 (hg19) VCF-style: chr2-241813481-T-A.
Identifiers: ClinVar variation 204155 (VCV000204155.4), dbSNP rs111742810, ClinGen allele CA275795.

ClinVar aggregate classification (germline): Pathogenic/Likely pathogenic. Review status: criteria provided, multiple submitters, no conflicts (2 of 4 stars). 3 submissions from 3 submitters: Pathogenic (1); Likely pathogenic (1). 1 of the submissions does not count toward it. Last evaluated 2026-01-20.

Conditions:
Primary hyperoxaluria, type I (HP1). Also called: GLYCOLIC ACIDURIA; HEPATIC AGT DEFICIENCY; OXALOSIS I; Primary hyperoxaluria type 1. Identifiers: Orphanet 416, Orphanet 93598, MedGen C0268164, MONDO:0009823, OMIM 259900. Disease mechanism: loss of function.

Submissions (3):

Labcorp Genetics (formerly Invitae), Labcorp
Classification: Likely pathogenic. Last evaluated: 2026-01-20. Review status: criteria provided, single submitter. Criteria: Invitae Variant Classification Sherloc (09022015). Collection method: clinical testing. Allele origin: germline.
Comment: This sequence change affects a donor splice site in intron 6 of the AGXT gene. It is expected to disrupt RNA splicing. Variants that disrupt the donor or acceptor splice site typically lead to a loss of protein function (PMID: 16199547), and loss-of-function variants in AGXT are known to be pathogenic (PMID: 19479957). This variant is not present in population databases (gnomAD no frequency). Disruption of this splice site has been observed in individual(s) with primary hyperoxaluria (PMID: 25629080). ClinVar contains an entry for this variant (Variation ID: 204155). Algorithms developed to predict the effect of sequence changes on RNA splicing suggest that this variant may disrupt the consensus splice site. In summary, the currently available evidence indicates that the variant is pathogenic, but additional data are needed to prove that conclusively. Therefore, this variant has been classified as Likely Pathogenic.

Natera, Inc.
Classification: Pathogenic for Primary hyperoxaluria type I. Last evaluated: 2025-09-21. Review status: criteria provided, single submitter. Criteria: Natera Variant Classification Schema (03/2026). Collection method: clinical testing. Allele origin: germline.
Comment: The c.680+2T>A variant in AGXT is a canonical splice donor site variant predicted to affect pre-mRNA splicing, which may result in an abnormal transcript and altered protein product. This variant is expected to result in nonsense mediated decay, truncation, or a dysfunctional protein product. This variant is rare in the general population with a frequency below the threshold expected for the associated phenotype(s). Another variant at this same site results in an alteration predicted to cause a similar molecular effect has been observed in individual(s) with the associated phenotype. Given the available evidence, this variant is classified as Pathogenic.

Clinical Biochemistry Laboratory, Health Services Laboratory
Classification: Pathogenic for Primary hyperoxaluria, type I. Last evaluated: 2014-11-27. Review status: no assertion criteria provided. Collection method: research. Allele origin: germline. Affected: yes. Not counted in ClinVar's aggregate classification.

Literature cited by the submitters: PubMed 16199547 (cited by Labcorp Genetics (formerly Invitae), Labcorp); PubMed 19479957 (cited by Labcorp Genetics (formerly Invitae), Labcorp); PubMed 25629080 (cited by Labcorp Genetics (formerly Invitae), Labcorp).